The following is an entry in ClinVar:

NM_000553.6(WRN):c.1571A>G (p.Asp524Gly)

Gene: WRN (WRN RecQ like helicase; plus strand). Cytogenetic location: 8p12.
Variant type: single nucleotide variant.
Coding change: c.1571A>G on transcript NM_000553.6 (MANE Select); coding-DNA position 1571, A replaced by G.
Protein change: p.Asp524Gly; replaces aspartic acid 524 with glycine.
Molecular consequence: missense variant.
Genome position (GRCh38, 1-based): chr8:31,087,915, A>G. VCF-style: chr8-31087915-A-G. GRCh37 (hg19) VCF-style: chr8-30945431-A-G.
Other names: short protein forms D524G.
Identifiers: ClinVar variation 1439629 (VCV001439629.6), dbSNP rs1386215142, ClinGen allele CA370924998.

ClinVar aggregate classification (germline): Uncertain significance (1 of 4 stars; one submission).

Conditions:
Werner syndrome (WRN). Identifiers: Orphanet 902, MedGen C0043119, MONDO:0010196, OMIM 277700.

Allele frequency attached by ClinVar (database versions not stated): TOPMed 0.00001.

Submission:

Labcorp Genetics (formerly Invitae), Labcorp
Classification: Uncertain significance for Werner syndrome. Last evaluated: 2020-12-29. Review status: criteria provided, single submitter. Criteria: Invitae Variant Classification Sherloc (09022015). Collection method: clinical testing. Allele origin: germline.
Comment: This variant has not been reported in the literature in individuals with WRN-related conditions. In summary, the available evidence is currently insufficient to determine the role of this variant in disease. Therefore, it has been classified as a Variant of Uncertain Significance. Algorithms developed to predict the effect of sequence changes on RNA splicing suggest that this variant may create or strengthen a splice site, but this prediction has not been confirmed by published transcriptional studies. Algorithms developed to predict the effect of missense changes on protein structure and function are either unavailable or do not agree on the potential impact of this missense change (SIFT: "Not Available"; PolyPhen-2: "Benign"; Align-GVGD: "Not Available"). This variant is not present in population databases (ExAC no frequency). This sequence change replaces aspartic acid with glycine at codon 524 of the WRN protein (p.Asp524Gly). The aspartic acid residue is weakly conserved and there is a moderate physicochemical difference between aspartic acid and glycine.